The following is an entry in ClinVar:

ClinVar aggregate classification (germline): Uncertain significance (1 of 4 stars; one submission).

Conditions:
Duchenne muscular dystrophy (DMD). Also called: MUSCULAR DYSTROPHY, PSEUDOHYPERTROPHIC PROGRESSIVE, DUCHENNE TYPE; Duchenne Muscular Dystrophy (DMD). Identifiers: Orphanet 98896, MedGen C0013264, MONDO:0010679, OMIM 310200.

gnomAD v4.1: 5 of 1,211,369 alleles (0.00041%); highest among the groups gnomAD compares: South Asian, 0.0018%; no homozygotes.

Submission:

Labcorp Genetics (formerly Invitae), Labcorp
Classification: Uncertain significance for Duchenne muscular dystrophy. Last evaluated: 2023-03-01. Review status: criteria provided, single submitter. Criteria: Invitae Variant Classification Sherloc (09022015). Collection method: clinical testing. Allele origin: germline.
Comment: This variant has not been reported in the literature in individuals affected with DMD-related conditions. ClinVar contains an entry for this variant (Variation ID: 1897710). This sequence change replaces alanine, which is neutral and non-polar, with aspartic acid, which is acidic and polar, at codon 913 of the DMD protein (p.Ala913Asp). This variant is not present in population databases (gnomAD no frequency). Advanced modeling of protein sequence and biophysical properties (such as structural, functional, and spatial information, amino acid conservation, physicochemical variation, residue mobility, and thermodynamic stability) performed at Invitae indicates that this missense variant is not expected to disrupt DMD protein function. In summary, the available evidence is currently insufficient to determine the role of this variant in disease. Therefore, it has been classified as a Variant of Uncertain Significance.

NM_004006.3(DMD):c.2738C>A (p.Ala913Asp)

Gene: DMD (dystrophin; minus strand). Cytogenetic location: Xp21.1.
Variant type: single nucleotide variant.
Coding change: c.2738C>A on transcript NM_004006.3 (MANE Select); coding-DNA position 2738, C replaced by A.
Protein change: p.Ala913Asp; replaces alanine 913 with aspartic acid.
Molecular consequence: missense variant.
Genome position (GRCh38, 1-based): chrX:32,484,984, G>T on the plus strand (C>A on the coding strand, the complement: DMD is on the minus strand). VCF-style: chrX-32484984-G-T. GRCh37 (hg19) VCF-style: chrX-32503101-G-T.
Other names: c.2714C>A, p.Ala905Asp (NM_000109.4); c.2726C>A, p.Ala909Asp (NM_004009.3); c.2369C>A, p.Ala790Asp (NM_004010.3); short protein forms A909D, A790D, A905D, A913D.
Identifiers: ClinVar variation 1897710 (VCV001897710.5), dbSNP rs2042269346, ClinGen allele CA412670777.